The following is an entry in ClinVar:

NM_001267550.2(TTN):c.25921+10C>T

Gene: TTN (titin; minus strand). Cytogenetic location: 2q31.2.
Variant type: single nucleotide variant.
Coding change: c.25921+10C>T on transcript NM_001267550.2 (MANE Select); 10 bases into the intron after coding-DNA position 25921, C replaced by T.
Molecular consequence: intron variant.
Genome position (GRCh38, 1-based): chr2:178,715,483, G>A on the plus strand (C>T on the coding strand, the complement: TTN is on the minus strand). VCF-style: chr2-178715483-G-A. GRCh37 (hg19) VCF-style: chr2-179580210-G-A.
Other names: p.?; c.13282+22599C>T (NM_003319.4); c.13858+22599C>T (NM_133437.4); c.13657+22599C>T (NM_133432.3); c.22189+10C>T (NM_133378.4); c.24970+10C>T (NM_001256850.1).
Identifiers: ClinVar variation 46769 (VCV000046769.31), dbSNP rs10183237, ClinGen allele CA282954.

ClinVar aggregate classification (germline): Benign. Review status: criteria provided, multiple submitters, no conflicts (2 of 4 stars). 20 submissions from 13 submitters: Benign (17). 3 of the submissions do not count toward it. Last evaluated 2026-02-04.

Conditions:
Dilated cardiomyopathy 1G (CMD1G). Identifiers: Orphanet 154, MedGen C1858763, MONDO:0011400, OMIM 604145.
Autosomal recessive limb-girdle muscular dystrophy type 2J (LGMDR10). Also called: MUSCULAR DYSTROPHY, LIMB-GIRDLE, AUTOSOMAL RECESSIVE 10; Limb-girdle muscular dystrophy, type 2J. Identifiers: Orphanet 140922, MedGen C1837342, MONDO:0012127, OMIM 608807.
Early-onset myopathy with fatal cardiomyopathy (CMYO5). Also called: CONGENITAL MYOPATHY 5 WITH CARDIOMYOPATHY; Salih Myopathy. Identifiers: Orphanet 289377, MedGen C2673677, MONDO:0012714, OMIM 611705. Disease mechanism: loss of function.
Myopathy, myofibrillar, 9, with early respiratory failure (MFM9). Also called: Myopathy, distal, with early respiratory failure, autosomal dominant; Hereditary myopathy with early respiratory failure; MYOPATHY, PROXIMAL, WITH EARLY RESPIRATORY MUSCLE INVOLVEMENT; EDSTROM MYOPATHY. Identifiers: Orphanet 178464, Orphanet 34521, MedGen C1863599, MONDO:0011362, OMIM 603689.
Tibial muscular dystrophy (TMD). Also called: Udd Distal Myopathy – Tibial Muscular Dystrophy; Tibial muscular dystrophy, tardive; UDD MYOPATHY. Identifiers: Orphanet 609, MedGen C1838244, MONDO:0010870, OMIM 600334.

Allele frequency attached by ClinVar (database versions not stated): ExAC 0.07606; gnomAD 0.07956 and 0.07769; TOPMed 0.08586; gnomAD exomes 0.07827; 1000 Genomes Project 30x 0.11165; ESP Exome Variant Server 0.06138; 1000 Genomes Project 0.11142.
gnomAD v4.1: 75,385 of 1,604,038 alleles (4.7%); highest among the groups gnomAD compares: Admixed American, 18%; 3,868 homozygotes.

Submissions (20):

Labcorp Genetics (formerly Invitae), Labcorp
Classification: Benign for Dilated cardiomyopathy 1G; Autosomal recessive limb-girdle muscular dystrophy type 2J. Last evaluated: 2026-02-04. Review status: criteria provided, single submitter. Criteria: Invitae Variant Classification Sherloc (09022015). Collection method: clinical testing. Allele origin: germline.

Molecular Diagnostic Laboratory for Inherited Cardiovascular Disease, Montreal Heart Institute
Classification: Benign. Last evaluated: 2025-04-09. Review status: criteria provided, single submitter. Criteria: ACMG Guidelines, 2015. Collection method: clinical testing. Allele origin: germline. Affected: no.

Genome-Nilou Lab
Classification: Benign for Autosomal recessive limb-girdle muscular dystrophy type 2J. Last evaluated: 2021-09-10. Review status: criteria provided, single submitter. Criteria: ACMG Guidelines, 2015. Collection method: clinical testing. Allele origin: germline. Affected: no.

Genome-Nilou Lab
Classification: Benign for Myopathy, myofibrillar, 9, with early respiratory failure. Last evaluated: 2021-09-10. Review status: criteria provided, single submitter. Criteria: ACMG Guidelines, 2015. Collection method: clinical testing. Allele origin: germline. Affected: no.

Genome-Nilou Lab
Classification: Benign for Early-onset myopathy with fatal cardiomyopathy. Last evaluated: 2021-09-10. Review status: criteria provided, single submitter. Criteria: ACMG Guidelines, 2015. Collection method: clinical testing. Allele origin: germline. Affected: no.

Genome-Nilou Lab
Classification: Benign for Tibial muscular dystrophy. Last evaluated: 2021-09-10. Review status: criteria provided, single submitter. Criteria: ACMG Guidelines, 2015. Collection method: clinical testing. Allele origin: germline. Affected: no.

Women's Health and Genetics/Laboratory Corporation of America, LabCorp
Classification: Benign. Last evaluated: 2019-08-16. Review status: criteria provided, single submitter. Criteria: LabCorp Variant Classification Summary - May 2015. Collection method: clinical testing. Allele origin: germline.

Illumina Laboratory Services, Illumina
Classification: Benign for Tibial muscular dystrophy. Last evaluated: 2018-01-12. Review status: criteria provided, single submitter. Criteria: ICSL Variant Classification Criteria 13 December 2019. Collection method: clinical testing. Allele origin: germline.
Comment: This variant was observed in the ICSL laboratory as part of a predisposition screen in an ostensibly healthy population. It had not been previously curated by ICSL or reported in the Human Gene Mutation Database (HGMD: prior to June 1st, 2018), and was therefore a candidate for classification through an automated scoring system. Utilizing variant allele frequency, disease prevalence and penetrance estimates, and inheritance mode, an automated score was calculated to assess if this variant is too frequent to cause the disease. Based on the score and internal cut-off values, a variant classified as benign is not then subjected to further curation. The score for this variant resulted in a classification of benign for this disease.

Illumina Laboratory Services, Illumina
Classification: Benign for Early-onset myopathy with fatal cardiomyopathy. Last evaluated: 2018-01-12. Review status: criteria provided, single submitter. Criteria: ICSL Variant Classification Criteria 13 December 2019. Collection method: clinical testing. Allele origin: germline.
Comment: the same text as in the submission from Illumina Laboratory Services, Illumina above.

Illumina Laboratory Services, Illumina
Classification: Benign for Autosomal recessive limb-girdle muscular dystrophy type 2J. Last evaluated: 2018-01-12. Review status: criteria provided, single submitter. Criteria: ICSL Variant Classification Criteria 13 December 2019. Collection method: clinical testing. Allele origin: germline.
Comment: the same text as in the submission from Illumina Laboratory Services, Illumina above.

Illumina Laboratory Services, Illumina
Classification: Benign for Dilated cardiomyopathy 1G. Last evaluated: 2018-01-12. Review status: criteria provided, single submitter. Criteria: ICSL Variant Classification Criteria 13 December 2019. Collection method: clinical testing. Allele origin: germline.
Comment: the same text as in the submission from Illumina Laboratory Services, Illumina above.

Illumina Laboratory Services, Illumina
Classification: Benign for Myopathy, myofibrillar, 9, with early respiratory failure. Last evaluated: 2018-01-12. Review status: criteria provided, single submitter. Criteria: ICSL Variant Classification Criteria 13 December 2019. Collection method: clinical testing. Allele origin: germline.
Comment: the same text as in the submission from Illumina Laboratory Services, Illumina above.

Mayo Clinic Laboratories, Mayo Clinic
Classification: Benign. Last evaluated: 2017-10-05. Review status: criteria provided, single submitter. Criteria: ACMG Guidelines, 2015. Collection method: clinical testing. Allele origin: germline. Observed: 263 variant alleles.

GeneDx
Classification: Benign. Last evaluated: 2012-10-26. Review status: criteria provided, single submitter. Criteria: GeneDx Variant Classification (06012015). Collection method: clinical testing. Allele origin: germline. Affected: yes.
Comment: This variant is considered likely benign or benign based on one or more of the following criteria: it is a conservative change, it occurs at a poorly conserved position in the protein, it is predicted to be benign by multiple in silico algorithms, and/or has population frequency not consistent with disease.

Laboratory for Molecular Medicine, Mass General Brigham Personalized Medicine
Classification: Benign. Last evaluated: 2011-09-27. Review status: criteria provided, single submitter. Criteria: LMM Criteria. Collection method: clinical testing. Allele origin: germline. Observed: 210 variant alleles.

Breakthrough Genomics
Classification: Benign. Review status: criteria provided, single submitter. Criteria: ACMG Guidelines, 2015. Collection method: not provided. Allele origin: germline. Inheritance: Autosomal recessive inheritance. Affected: yes.

PreventionGenetics, part of Exact Sciences
Classification: Benign. Review status: criteria provided, single submitter. Criteria: ACMG Guidelines, 2015. Collection method: clinical testing. Allele origin: germline.

Clinical Genetics DNA and cytogenetics Diagnostics Lab, Erasmus MC, Erasmus Medical Center
Classification: Benign. Review status: no assertion criteria provided. Collection method: clinical testing. Allele origin: germline. Affected: yes. Study: VKGL Data-share Consensus. Not counted in ClinVar's aggregate classification.

Clinical Genetics, Academic Medical Center
Classification: Benign. Review status: no assertion criteria provided. Collection method: clinical testing. Allele origin: germline. Affected: yes. Study: VKGL Data-share Consensus. Not counted in ClinVar's aggregate classification.

Genetic Services Laboratory, University of Chicago
Classification: Likely benign for AllHighlyPenetrant. Review status: no assertion criteria provided. Collection method: clinical testing. Allele origin: germline. Not counted in ClinVar's aggregate classification.
Comment: Likely benign based on allele frequency in 1000 Genomes Project or ESP global frequency and its presence in a patient with a rare or unrelated disease phenotype. NOT Sanger confirmed.